The following is an entry in ClinVar:

ClinVar aggregate classification (germline): Uncertain significance (1 of 4 stars; one submission).

Conditions:
Hereditary cancer-predisposing syndrome. Also called: Hereditary neoplastic syndrome; Tumor predisposition; Neoplastic Syndromes, Hereditary; Hereditary Cancer Syndrome. Identifiers: Orphanet 140162, MedGen C0027672, MeSH D009386, MONDO:0015356.

Submission:

Labcorp Genetics (formerly Invitae), Labcorp
Classification: Uncertain significance for Hereditary cancer-predisposing syndrome. Last evaluated: 2023-05-21. Review status: criteria provided, single submitter. Criteria: Invitae Variant Classification Sherloc (09022015). Collection method: clinical testing. Allele origin: germline.
Comment: This sequence change replaces leucine, which is neutral and non-polar, with valine, which is neutral and non-polar, at codon 1042 of the RAD50 protein (p.Leu1042Val). This variant is not present in population databases (gnomAD no frequency). This variant has not been reported in the literature in individuals affected with RAD50-related conditions. Advanced modeling of protein sequence and biophysical properties (such as structural, functional, and spatial information, amino acid conservation, physicochemical variation, residue mobility, and thermodynamic stability) performed at Invitae indicates that this missense variant is not expected to disrupt RAD50 protein function. In summary, the available evidence is currently insufficient to determine the role of this variant in disease. Therefore, it has been classified as a Variant of Uncertain Significance.

NM_005732.4(RAD50):c.3124T>G (p.Leu1042Val)

Gene: RAD50 (RAD50 double strand break repair protein; plus strand). Cytogenetic location: 5q31.1.
Variant type: single nucleotide variant.
Coding change: c.3124T>G on transcript NM_005732.4 (MANE Select); coding-DNA position 3124, T replaced by G.
Protein change: p.Leu1042Val; replaces leucine 1042 with valine.
Molecular consequence: missense variant.
Genome position (GRCh38, 1-based): chr5:132,616,090, T>G. VCF-style: chr5-132616090-T-G. GRCh37 (hg19) VCF-style: chr5-131951782-T-G.
Other names: short protein forms L1042V.
Identifiers: ClinVar variation 2866425 (VCV002866425.3), dbSNP rs1581008463, ClinGen allele CA360963753.